The following is an entry in ClinVar:

NM_015895.5(GMNN):c.233T>C (p.Leu78Pro)

Gene: GMNN (geminin DNA replication inhibitor; plus strand). Cytogenetic location: 6p22.3.
Variant type: single nucleotide variant.
Coding change: c.233T>C on transcript NM_015895.5 (MANE Select); coding-DNA position 233, T replaced by C.
Protein change: p.Leu78Pro; replaces leucine 78 with proline.
Molecular consequence: missense variant.
Genome position (GRCh38, 1-based): chr6:24,781,580, T>C. VCF-style: chr6-24781580-T-C. GRCh37 (hg19) VCF-style: chr6-24781808-T-C.
Other names: c.233T>C, p.Leu78Pro (NM_001251989.2, NM_001251990.2, NM_001251991.1); c.233T>C (NM_015895.3); short protein forms L78P.
Identifiers: ClinVar variation 1397504 (VCV001397504.9), dbSNP rs781516962, ClinGen allele CA3658854.

ClinVar aggregate classification (germline): Uncertain significance. Review status: criteria provided, multiple submitters, no conflicts (2 of 4 stars). 2 submissions from 2 submitters: Uncertain significance (2). Last evaluated 2025-11-08.

Conditions:
Inborn genetic diseases. Identifiers: MedGen C0950123, MeSH D030342.

Allele frequency attached by ClinVar (database versions not stated): gnomAD exomes 0.00004; ExAC 0.00007.
gnomAD v4.1: 29 of 1,551,152 alleles (0.0019%); highest among the groups gnomAD compares: South Asian, 0.021%; 1 homozygote.

Submissions (2):

Ambry Genetics
Classification: Uncertain significance for Inborn genetic diseases. Last evaluated: 2025-11-08. Review status: criteria provided, single submitter. Criteria: Ambry Variant Classification Scheme 2023. Collection method: clinical testing. Allele origin: germline.

Labcorp Genetics (formerly Invitae), Labcorp
Classification: Uncertain significance. Last evaluated: 2022-06-03. Review status: criteria provided, single submitter. Criteria: Invitae Variant Classification Sherloc (09022015). Collection method: clinical testing. Allele origin: germline.
Comment: In summary, the available evidence is currently insufficient to determine the role of this variant in disease. Therefore, it has been classified as a Variant of Uncertain Significance. Algorithms developed to predict the effect of missense changes on protein structure and function output the following: SIFT: "Tolerated"; PolyPhen-2: "Benign"; Align-GVGD: "Class C0". The proline amino acid residue is found in multiple mammalian species, which suggests that this missense change does not adversely affect protein function. ClinVar contains an entry for this variant (Variation ID: 1397504). This variant has not been reported in the literature in individuals affected with GMNN-related conditions. This variant is present in population databases (rs781516962, gnomAD 0.03%). This sequence change replaces leucine, which is neutral and non-polar, with proline, which is neutral and non-polar, at codon 78 of the GMNN protein (p.Leu78Pro).